The following is an entry in ClinVar:

ClinVar aggregate classification (germline): Uncertain significance. Review status: criteria provided, multiple submitters, no conflicts (2 of 4 stars). 2 submissions from 2 submitters: Uncertain significance (2). Last evaluated 2025-11-16.

Conditions:
Hereditary cancer-predisposing syndrome. Also called: Hereditary Cancer Syndrome; Neoplastic Syndromes, Hereditary; Tumor predisposition; Hereditary neoplastic syndrome. Identifiers: Orphanet 140162, MedGen C0027672, MeSH D009386, MONDO:0015356.

Allele frequency attached by ClinVar (database versions not stated): gnomAD exomes below 0.00001.
gnomAD v4.1: 1 of 1,614,050 alleles (0.000062%); highest among the groups gnomAD compares: Non-Finnish European, 0.000085%; no homozygotes.

Submissions (2):

Ambry Genetics
Classification: Uncertain significance for Hereditary cancer-predisposing syndrome. Last evaluated: 2025-11-16. Review status: criteria provided, single submitter. Criteria: Ambry Variant Classification Scheme 2023. Collection method: clinical testing. Allele origin: germline.
Comment: The p.V91A variant (also known as c.272T>C), located in coding exon 2 of the CTNNA1 gene, results from a T to C substitution at nucleotide position 272. The valine at codon 91 is replaced by alanine, an amino acid with similar properties. This amino acid position is conserved. In addition, this alteration is predicted to be tolerated by in silico analysis. Since supporting evidence is limited at this time, the clinical significance of this alteration remains unclear.

Labcorp Genetics (formerly Invitae), Labcorp
Classification: Uncertain significance. Last evaluated: 2023-04-07. Review status: criteria provided, single submitter. Criteria: Invitae Variant Classification Sherloc (09022015). Collection method: clinical testing. Allele origin: germline.
Comment: In summary, the available evidence is currently insufficient to determine the role of this variant in disease. Therefore, it has been classified as a Variant of Uncertain Significance. Advanced modeling of protein sequence and biophysical properties (such as structural, functional, and spatial information, amino acid conservation, physicochemical variation, residue mobility, and thermodynamic stability) performed at Invitae indicates that this missense variant is not expected to disrupt CTNNA1 protein function. ClinVar contains an entry for this variant (Variation ID: 1020972). This variant has not been reported in the literature in individuals affected with CTNNA1-related conditions. This variant is not present in population databases (gnomAD no frequency). This sequence change replaces valine, which is neutral and non-polar, with alanine, which is neutral and non-polar, at codon 91 of the CTNNA1 protein (p.Val91Ala).

NM_001903.5(CTNNA1):c.272T>C (p.Val91Ala)

Gene: CTNNA1 (catenin alpha 1; plus strand). Cytogenetic location: 5q31.2.
Variant type: single nucleotide variant.
Coding change: c.272T>C on transcript NM_001903.5 (MANE Select); coding-DNA position 272, T replaced by C.
Protein change: p.Val91Ala; replaces valine 91 with alanine.
Molecular consequence: missense variant. On other transcripts: intron variant (2).
Genome position (GRCh38, 1-based): chr5:138,783,343, T>C. VCF-style: chr5-138783343-T-C. GRCh37 (hg19) VCF-style: chr5-138119032-T-C.
Other names: c.272T>C, p.Val91Ala (NM_001290307.3, NM_001323982.2, NM_001323983.1 and 3 more transcripts); c.-6+71T>C (NM_001290310.3); c.-9+1314T>C (NM_001290309.3); short protein forms V91A.
Identifiers: ClinVar variation 1020972 (VCV001020972.12), dbSNP rs1755340811, ClinGen allele CA361477663.